The following is an entry in ClinVar:

NM_005068.3(SIM1):c.1014A>G (p.Lys338=)

Genes: SIM1 (SIM bHLH transcription factor 1; minus strand), SIM1-AS1 (SIM1 antisense RNA 1; plus strand). Cytogenetic location: 6q16.3.
Variant type: single nucleotide variant.
Coding change: c.1014A>G on transcript NM_005068.3 (MANE Select); coding-DNA position 1014, A replaced by G.
Protein change: p.Lys338=; no amino-acid change (lysine 338 retained).
Molecular consequence: synonymous variant.
Genome position (GRCh38, 1-based): chr6:100,420,943, T>C on the plus strand (A>G on the coding strand, the complement: SIM1 is on the minus strand). VCF-style: chr6-100420943-T-C. GRCh37 (hg19) VCF-style: chr6-100868819-T-C.
Other names: c.1014A>G, p.Lys338= (NM_001374769.1).
Identifiers: ClinVar variation 4979899 (VCV004979899.1).

ClinVar aggregate classification (germline): Likely benign (1 of 4 stars; one submission).

Conditions:
SIM1-related disorder. Also called: SIM1-related condition; SIM1-related disorders.

gnomAD v4.1: 2 of 1,613,526 alleles (0.00012%); highest among the groups gnomAD compares: Non-Finnish European, 0.00017%; no homozygotes.

Submission:

PreventionGenetics, part of Exact Sciences
Classification: Likely benign for SIM1-related condition. Last evaluated: 2025-02-27. Review status: criteria provided, single submitter. Criteria: ACMG Guidelines, 2015. Collection method: clinical testing. Allele origin: germline.
Comment: This variant is classified as likely benign based on ACMG/AMP sequence variant interpretation guidelines (Richards et al. 2015 PMID: 25741868, with internal and published modifications).